The following is an entry in ClinVar:

ClinVar aggregate classification (germline): Uncertain significance. Review status: criteria provided, multiple submitters, no conflicts (2 of 4 stars). 2 submissions from 2 submitters: Uncertain significance (2). Last evaluated 2024-07-03.

Conditions:
Fanconi anemia complementation group E (FANCE). Also called: FANCE-Related Fanconi Anemia. Identifiers: Orphanet 84, MedGen C3160739, MONDO:0010953, OMIM 600901.

Submissions (2):

Labcorp Genetics (formerly Invitae), Labcorp
Classification: Uncertain significance for Fanconi anemia complementation group E. Last evaluated: 2024-07-03. Review status: criteria provided, single submitter. Criteria: Invitae Variant Classification Sherloc (09022015). Collection method: clinical testing. Allele origin: germline.
Comment: This sequence change replaces glutamic acid, which is acidic and polar, with lysine, which is basic and polar, at codon 443 of the FANCE protein (p.Glu443Lys). This variant is not present in population databases (gnomAD no frequency). This variant has not been reported in the literature in individuals affected with FANCE-related conditions. Advanced modeling of protein sequence and biophysical properties (such as structural, functional, and spatial information, amino acid conservation, physicochemical variation, residue mobility, and thermodynamic stability) has been performed at Invitae for this missense variant, however the output from this modeling did not meet the statistical confidence thresholds required to predict the impact of this variant on FANCE protein function. In summary, the available evidence is currently insufficient to determine the role of this variant in disease. Therefore, it has been classified as a Variant of Uncertain Significance.

Fulgent Genetics
Classification: Uncertain significance for Fanconi anemia complementation group E. Last evaluated: 2024-05-13. Review status: criteria provided, single submitter. Criteria: ACMG Guidelines, 2015. Collection method: clinical testing. Allele origin: germline.

NM_021922.3(FANCE):c.1327G>A (p.Glu443Lys)

Gene: FANCE (FA complementation group E; plus strand). Cytogenetic location: 6p21.31.
Variant type: single nucleotide variant.
Coding change: c.1327G>A on transcript NM_021922.3 (MANE Select); coding-DNA position 1327, G replaced by A.
Protein change: p.Glu443Lys; replaces glutamic acid 443 with lysine.
Molecular consequence: missense variant. On other transcripts: intron variant (1).
Genome position (GRCh38, 1-based): chr6:35,460,562, G>A. VCF-style: chr6-35460562-G-A. GRCh37 (hg19) VCF-style: chr6-35428339-G-A.
Other names: c.1316+802G>A (NM_001410876.1); short protein forms E443K.
Identifiers: ClinVar variation 3593551 (VCV003593551.3).